The following is an entry in ClinVar:

ClinVar aggregate classification (germline): Pathogenic (1 of 4 stars; one submission).

Conditions:
Muscular dystrophy-dystroglycanopathy (congenital with brain and eye anomalies), type A, 7. Also called: WALKER-WARBURG SYNDROME OR MUSCLE-EYE-BRAIN DISEASE, ISPD-RELATED; Congenital muscular dystrophy-dystroglycanopathy with brain and eye anomalies, type A7. Identifiers: Orphanet 899, MedGen C3553330, MONDO:0013835, OMIM 614643.
Autosomal recessive limb-girdle muscular dystrophy type 2U. Also called: Muscular dystrophy-dystroglycanopathy (limb-girdle), type c, 7; MUSCULAR DYSTROPHY, LIMB-GIRDLE, TYPE 2U. Identifiers: Orphanet 352479, MedGen C5190987, MONDO:0014474, OMIM 616052.

Submission:

Labcorp Genetics (formerly Invitae), Labcorp
Classification: Pathogenic for Muscular dystrophy-dystroglycanopathy (congenital with brain and eye anomalies), type A, 7; Autosomal recessive limb-girdle muscular dystrophy type 2U. Last evaluated: 2021-09-05. Review status: criteria provided, single submitter. Criteria: Invitae Variant Classification Sherloc (09022015). Collection method: clinical testing. Allele origin: germline.
Comment: This variant is a gross deletion of the genomic region encompassing exon(s) 9-10 of the ISPD gene, which includes the termination codon. This deletion extends beyond the assayed region for this gene and therefore may encompass additional genes. While this deletion is not anticipated to lead to nonsense mediated decay, it is expected to alter mRNA translation or result in a truncated protein product. A similar copy number variant has been observed in individuals with Walker-Warburg syndrome (PMID: 22522420, 22522421, 24120487). For these reasons, this variant has been classified as Pathogenic.

Literature cited by the submitters: PubMed 22522420; PubMed 22522421; PubMed 24120487.

NC_000007.13:g.(?_16131320)_(16255842_?)del

Gene: CRPPA (CDP-L-ribitol pyrophosphorylase A; minus strand). Cytogenetic location: 7p21.2.
Variant type: Deletion.
Identifiers: ClinVar variation 2423715 (VCV002423715.4).